The following is an entry in ClinVar:

ClinVar aggregate classification (germline): Uncertain significance (1 of 4 stars; one submission).

Conditions:
Alstrom syndrome (ALMS). Identifiers: Orphanet 64, MedGen C0268425, MONDO:0008763, OMIM 203800.

Submission:

Labcorp Genetics (formerly Invitae), Labcorp
Classification: Uncertain significance for Alstrom syndrome. Last evaluated: 2022-08-02. Review status: criteria provided, single submitter. Criteria: Invitae Variant Classification Sherloc (09022015). Collection method: clinical testing. Allele origin: germline.
Comment: Experimental studies and prediction algorithms are not available or were not evaluated, and the functional significance of this variant is currently unknown. In summary, the available evidence is currently insufficient to determine the role of this variant in disease. Therefore, it has been classified as a Variant of Uncertain Significance. This variant has not been reported in the literature in individuals affected with ALMS1-related conditions. This sequence change replaces proline, which is neutral and non-polar, with arginine, which is basic and polar, at codon 2571 of the ALMS1 protein (p.Pro2571Arg). This variant is not present in population databases (gnomAD no frequency).

NM_001378454.1(ALMS1):c.7709C>G (p.Pro2570Arg)

Gene: ALMS1 (ALMS1 centrosome and basal body associated protein; plus strand). Cytogenetic location: 2p13.1.
Variant type: single nucleotide variant.
Coding change: c.7709C>G on transcript NM_001378454.1 (MANE Select); coding-DNA position 7709, C replaced by G.
Protein change: p.Pro2570Arg; replaces proline 2570 with arginine.
Molecular consequence: missense variant.
Genome position (GRCh38, 1-based): chr2:73,489,668, C>G. VCF-style: chr2-73489668-C-G. GRCh37 (hg19) VCF-style: chr2-73716795-C-G.
Other names: c.7712C>G, p.Pro2571Arg (NM_015120.4); short protein forms P2570R, P2571R.
Identifiers: ClinVar variation 1714699 (VCV001714699.5), dbSNP rs2466212178, ClinGen allele CA347263898.